The following is an entry in ClinVar:

ClinVar aggregate classification (germline): Uncertain significance. Review status: criteria provided, multiple submitters, no conflicts (2 of 4 stars). 2 submissions from 2 submitters: Uncertain significance (2). Last evaluated 2024-11-22.

Allele frequency attached by ClinVar (database versions not stated): ExAC 0.00002; gnomAD 0.00003; TOPMed 0.00003.
gnomAD v4.1: 19 of 1,611,682 alleles (0.0012%); highest among the groups gnomAD compares: Admixed American, 0.032%; no homozygotes.

Submissions (2):

Ambry Genetics
Classification: Uncertain significance. Last evaluated: 2024-11-22. Review status: criteria provided, single submitter. Criteria: Ambry Variant Classification Scheme 2023. Collection method: clinical testing. Allele origin: germline.

Labcorp Genetics (formerly Invitae), Labcorp
Classification: Uncertain significance. Last evaluated: 2022-05-14. Review status: criteria provided, single submitter. Criteria: Invitae Variant Classification Sherloc (09022015). Collection method: clinical testing. Allele origin: germline.
Comment: This sequence change replaces proline, which is neutral and non-polar, with threonine, which is neutral and polar, at codon 1101 of the SBF1 protein (p.Pro1101Thr). This variant is present in population databases (rs771502813, gnomAD 0.02%). This variant has not been reported in the literature in individuals affected with SBF1-related conditions. Algorithms developed to predict the effect of missense changes on protein structure and function (SIFT, PolyPhen-2, Align-GVGD) all suggest that this variant is likely to be tolerated. In summary, the available evidence is currently insufficient to determine the role of this variant in disease. Therefore, it has been classified as a Variant of Uncertain Significance.

NM_002972.4(SBF1):c.3301C>A (p.Pro1101Thr)

Gene: SBF1 (SET binding factor 1; minus strand). Cytogenetic location: 22q13.33.
Variant type: single nucleotide variant.
Coding change: c.3301C>A on transcript NM_002972.4 (MANE Select); coding-DNA position 3301, C replaced by A.
Protein change: p.Pro1101Thr; replaces proline 1101 with threonine.
Molecular consequence: missense variant.
Genome position (GRCh38, 1-based): chr22:50,460,142, G>T on the plus strand (C>A on the coding strand, the complement: SBF1 is on the minus strand). VCF-style: chr22-50460142-G-T. GRCh37 (hg19) VCF-style: chr22-50898571-G-T.
Other names: c.3304C>A, p.Pro1102Thr (NM_001365819.1, NM_001410794.1); c.3301C>A, p.Pro1101Thr (NM_001410795.1, NM_197971.1); c.3301C>A (NM_002972.2); short protein forms P1101T, P1102T.
Identifiers: ClinVar variation 2084067 (VCV002084067.2), dbSNP rs771502813, ClinGen allele CA10316763.